The following is an entry in ClinVar:

ClinVar aggregate classification (germline): Uncertain significance (1 of 4 stars; one submission).

Conditions:
Atrioventricular septal defect, susceptibility to, 2. Identifiers: MedGen C1853508, MONDO:0011650, OMIM 606217.

Allele frequency attached by ClinVar (database versions not stated): TOPMed 0.00003; gnomAD exomes 0.00005 and 0.00009; gnomAD 0.00003; ExAC 0.00010.
gnomAD v4.1: 32 of 1,614,062 alleles (0.002%); highest among the groups gnomAD compares: Admixed American, 0.045%; no homozygotes.

Submission:

Labcorp Genetics (formerly Invitae), Labcorp
Classification: Uncertain significance for Atrioventricular septal defect, susceptibility to, 2. Last evaluated: 2022-06-27. Review status: criteria provided, single submitter. Criteria: Invitae Variant Classification Sherloc (09022015). Collection method: clinical testing. Allele origin: germline.
Comment: This variant is present in population databases (rs763753944, gnomAD 0.04%), and has an allele count higher than expected for a pathogenic variant. In summary, the available evidence is currently insufficient to determine the role of this variant in disease. Therefore, it has been classified as a Variant of Uncertain Significance. Algorithms developed to predict the effect of missense changes on protein structure and function are either unavailable or do not agree on the potential impact of this missense change (SIFT: "Deleterious"; PolyPhen-2: "Possibly Damaging"; Align-GVGD: "Class C0"). This variant has not been reported in the literature in individuals affected with CRELD1-related conditions. This sequence change replaces asparagine, which is neutral and polar, with aspartic acid, which is acidic and polar, at codon 205 of the CRELD1 protein (p.Asn205Asp).

NM_001077415.3(CRELD1):c.613A>G (p.Asn205Asp)

Gene: CRELD1 (CRELD disulfide isomerase 1; plus strand). Cytogenetic location: 3p25.3.
Variant type: single nucleotide variant.
Coding change: c.613A>G on transcript NM_001077415.3 (MANE Select); coding-DNA position 613, A replaced by G.
Protein change: p.Asn205Asp; replaces asparagine 205 with aspartic acid.
Molecular consequence: missense variant. On other transcripts: non-coding transcript variant (3).
Genome position (GRCh38, 1-based): chr3:9,941,002, A>G. VCF-style: chr3-9941002-A-G. GRCh37 (hg19) VCF-style: chr3-9982686-A-G.
Other names: c.613A>G, p.Asn205Asp (NM_001031717.4, NM_001374316.1, NM_001374317.1 and 4 more transcripts); short protein forms N205D.
Identifiers: ClinVar variation 1499992 (VCV001499992.6), dbSNP rs763753944, ClinGen allele CA2247742.
Genomic context (GRCh38, chr3:9,941,002, plus strand): 5'-GCCGGCTACGGGGGTGAGGCCTGTGGCCAGTGTGGCCTTGGCTACTTTGAGGCAGAACGC[A>G]ACGCCAGCCATCTGGTATGTTCGGGTAGGTAGCCAAAAGGTGTGGCACTGGGCAGGGGCA-3'
Protein context (NP_001070883.2, residues 195-215): CGLGYFEAER[Asn205Asp]ASHLVCSACF